The following is an entry in ClinVar:

NM_015102.5(NPHP4):c.1421_1423delinsCGTGG (p.Lys474fs)

Gene: NPHP4 (nephrocystin 4; minus strand). Cytogenetic location: 1p36.31.
Variant type: Indel.
Coding change: c.1421_1423delinsCGTGG on transcript NM_015102.5 (MANE Select); coding-DNA positions 1421 to 1423, AAC replaced by CGTGG.
Protein change: p.Lys474fs; shifts the reading frame from lysine 474.
Molecular consequence: frameshift variant. On other transcripts: non-coding transcript variant (1).
Genome position (GRCh38, 1-based): chr1:5,927,667-5,927,669, GTT replaced by CCACG on the plus strand (AAC replaced by CGTGG on the coding strand, the reverse complement: NPHP4 is on the minus strand). VCF-style: chr1-5927667-GTT-CCACG. GRCh37 (hg19) VCF-style: chr1-5987727-GTT-CCACG.
Other names: c.1421_1423delAACinsCGTGG (NM_015102.3); c.55_57delinsCGTGG, p.Asn19fs (NM_001291593.2, NM_001291594.2); short protein forms K474fs, N19fs.
Identifiers: ClinVar variation 503803 (VCV000503803.21), dbSNP rs1553178047, ClinGen allele CA658795377.

ClinVar aggregate classification (germline): Pathogenic/Likely pathogenic. Review status: criteria provided, multiple submitters, no conflicts (2 of 4 stars). 3 submissions from 3 submitters: Pathogenic (1); Likely pathogenic (2). Last evaluated 2024-02-04.

Conditions:
Senior-Loken syndrome 4 (SLSN4). Identifiers: Orphanet 3156, MedGen C1846979, MONDO:0011756, OMIM 606996.
Nephronophthisis 4 (NPHP4). Also called: NEPHRONOPHTHISIS 4, JUVENILE. Identifiers: Orphanet 655, MedGen C1847013, MONDO:0011752, OMIM 606966.
Nephronophthisis. Also called: Juvenile Nephronophthisis. Identifiers: Orphanet 655, MedGen C0687120, MONDO:0019005, HP:0000090.

Submissions (3):

Fulgent Genetics
Classification: Likely pathogenic for Nephronophthisis 4; Senior-Loken syndrome 4. Last evaluated: 2024-02-04. Review status: criteria provided, single submitter. Criteria: ACMG Guidelines, 2015. Collection method: clinical testing. Allele origin: germline.

Labcorp Genetics (formerly Invitae), Labcorp
Classification: Pathogenic for Nephronophthisis. Last evaluated: 2022-11-22. Review status: criteria provided, single submitter. Criteria: Invitae Variant Classification Sherloc (09022015). Collection method: clinical testing. Allele origin: germline.
Comment: For these reasons, this variant has been classified as Pathogenic. This variant has not been reported in the literature in individuals affected with NPHP4-related conditions. This variant is not present in population databases (gnomAD no frequency). This sequence change creates a premature translational stop signal (p.Lys474Thrfs*81) in the NPHP4 gene. It is expected to result in an absent or disrupted protein product. Loss-of-function variants in NPHP4 are known to be pathogenic (PMID: 12205563, 23559409).

GeneDx
Classification: Likely pathogenic. Last evaluated: 2020-01-27. Review status: criteria provided, single submitter. Criteria: GeneDx Variant Classification Process June 2021. Collection method: clinical testing. Allele origin: germline. Affected: yes.
Comment: Frameshift variant predicted to result in protein truncation or nonsense mediated decay in a gene for which loss-of-function is a known mechanism of disease; Not observed in large population cohorts (Lek et al., 2016); Has not been previously published as pathogenic or benign to our knowledge

Literature cited by the submitters: PubMed 12205563 (cited by Labcorp Genetics (formerly Invitae), Labcorp); PubMed 23559409 (cited by Labcorp Genetics (formerly Invitae), Labcorp).